The following is an entry in ClinVar:

ClinVar aggregate classification (germline): Uncertain significance (1 of 4 stars; one submission).

gnomAD v4.1: 2 of 1,610,482 alleles (0.00012%); highest among the groups gnomAD compares: East Asian, 0.0022%; no homozygotes.

Submission:

Labcorp Genetics (formerly Invitae), Labcorp
Classification: Uncertain significance. Last evaluated: 2024-03-01. Review status: criteria provided, single submitter. Criteria: Invitae Variant Classification Sherloc (09022015). Collection method: clinical testing. Allele origin: germline.
Comment: This sequence change replaces isoleucine, which is neutral and non-polar, with valine, which is neutral and non-polar, at codon 745 of the SLC26A3 protein (p.Ile745Val). This variant is present in population databases (rs780799182, gnomAD 0.006%). This variant has not been reported in the literature in individuals affected with SLC26A3-related conditions. Advanced modeling of protein sequence and biophysical properties (such as structural, functional, and spatial information, amino acid conservation, physicochemical variation, residue mobility, and thermodynamic stability) performed at Invitae indicates that this missense variant is not expected to disrupt SLC26A3 protein function with a negative predictive value of 95%. In summary, the available evidence is currently insufficient to determine the role of this variant in disease. Therefore, it has been classified as a Variant of Uncertain Significance.

NM_000111.3(SLC26A3):c.2233A>G (p.Ile745Val)

Gene: SLC26A3 (solute carrier family 26 member 3; minus strand). Cytogenetic location: 7q22.3.
Variant type: single nucleotide variant.
Coding change: c.2233A>G on transcript NM_000111.3 (MANE Select); coding-DNA position 2233, A replaced by G.
Protein change: p.Ile745Val; replaces isoleucine 745 with valine.
Molecular consequence: missense variant.
Genome position (GRCh38, 1-based): chr7:107,767,617, T>C on the plus strand (A>G on the coding strand, the complement: SLC26A3 is on the minus strand). VCF-style: chr7-107767617-T-C. GRCh37 (hg19) VCF-style: chr7-107408062-T-C.
Other names: short protein forms I745V.
Identifiers: ClinVar variation 3610810 (VCV003610810.2).